The following is an entry in ClinVar:

NM_003238.6(TGFB2):c.122G>C (p.Arg41Pro)

Gene: TGFB2 (transforming growth factor beta 2; plus strand). Cytogenetic location: 1q41.
Variant type: single nucleotide variant.
Coding change: c.122G>C on transcript NM_003238.6 (MANE Select); coding-DNA position 122, G replaced by C.
Protein change: p.Arg41Pro; replaces arginine 41 with proline.
Molecular consequence: missense variant. On other transcripts: non-coding transcript variant (2).
Genome position (GRCh38, 1-based): chr1:218,346,823, G>C. VCF-style: chr1-218346823-G-C. GRCh37 (hg19) VCF-style: chr1-218520165-G-C.
Other names: c.122G>C, p.Arg41Pro (NM_001135599.4); short protein forms R41P.
Identifiers: ClinVar variation 3361456 (VCV003361456.1).
Genomic context (GRCh38, chr1:218,346,823, plus strand): 5'-TGTCTACCTGCAGCACACTCGATATGGACCAGTTCATGCGCAAGAGGATCGAGGCGATCC[G>C]CGGGCAGATCCTGAGCAAGCTGAAGCTCACCAGTCCCCCAGAAGACTATCCTGAGCCCGA-3'
Protein context (NP_003229.1, residues 31-51): QFMRKRIEAI[Arg41Pro]GQILSKLKLT

ClinVar aggregate classification (germline): Uncertain significance (1 of 4 stars; one submission).

Submission:

GeneDx
Classification: Uncertain significance. Last evaluated: 2023-07-21. Review status: criteria provided, single submitter. Criteria: GeneDx Variant Classification Process June 2021. Collection method: clinical testing. Allele origin: germline. Affected: yes.
Comment: Not observed at significant frequency in large population cohorts (gnomAD); In silico analysis supports that this missense variant has a deleterious effect on protein structure/function; Has not been previously published as pathogenic or benign to our knowledge